The following is an entry in ClinVar:

ClinVar aggregate classification (germline): Pathogenic (1 of 4 stars; one submission).

Conditions:
Beckwith-Wiedemann syndrome (BWS). Also called: EMG SYNDROME; Exomphalos macroglossia gigantism syndrome. Identifiers: Orphanet 116, MedGen C0004903, MONDO:0007534, OMIM 130650.

Submission:

Labcorp Genetics (formerly Invitae), Labcorp
Classification: Pathogenic for Beckwith-Wiedemann syndrome. Last evaluated: 2022-01-19. Review status: criteria provided, single submitter. Criteria: Invitae Variant Classification Sherloc (09022015). Collection method: clinical testing. Allele origin: germline.
Comment: For these reasons, this variant has been classified as Pathogenic. Algorithms developed to predict the effect of sequence changes on RNA splicing suggest that this variant may create or strengthen a splice site. This variant has not been reported in the literature in individuals affected with CDKN1C-related conditions. This variant is not present in population databases (gnomAD no frequency). This sequence change creates a premature translational stop signal (p.Ala251Glyfs*32) in the CDKN1C gene. It is expected to result in an absent or disrupted protein product. Loss-of-function variants in CDKN1C are known to be pathogenic (PMID: 20503313).

Literature cited by the submitters: PubMed 20503313.

NM_001122630.2(CDKN1C):c.719_730delinsGTGC (p.Ala240fs)

Gene: CDKN1C (cyclin dependent kinase inhibitor 1C; minus strand). Cytogenetic location: 11p15.4.
Variant type: Indel.
Coding change: c.719_730delinsGTGC on transcript NM_001122630.2 (MANE Select); coding-DNA positions 719 to 730, CGGCCGGCACCG replaced by GTGC.
Protein change: p.Ala240fs; shifts the reading frame from alanine 240.
Molecular consequence: frameshift variant. On other transcripts: intron variant (1).
Genome position (GRCh38, 1-based): chr11:2,884,727-2,884,738, CGGTGCCGGCCG replaced by GCAC on the plus strand (CGGCCGGCACCG replaced by GTGC on the coding strand, the reverse complement: CDKN1C is on the minus strand). VCF-style: chr11-2884727-CGGTGCCGGCCG-GCAC. GRCh37 (hg19) VCF-style: chr11-2905957-CGGTGCCGGCCG-GCAC.
Other names: c.752_763delinsGTGC, p.Ala251fs (LRG_533t1, NM_001362474.2); c.719_730delinsGTGC, p.Ala240fs (NM_001122631.2); c.255+464_255+475delinsGTGC (NM_001362475.2); short protein forms A240fs, A251fs.
Identifiers: ClinVar variation 454029 (VCV000454029.5), dbSNP rs1554937726, ClinGen allele CA658656111.
Genomic context (GRCh38, chr11:2,884,727, plus strand): 5'-CACCGGAGATCAGAGGCCCGGACAGCTTCTTGATCGCCGCGCCGTTGGCGCTGGCGGCCG[CGGTGCCGGCCG>GCAC]CGGGACGTCCCGAAATCCCCGAGTGCAGCTGGTCAGCGAGAGGCTCCTGGCCGCGCTGCC-3'